The following is an entry in ClinVar:

ClinVar aggregate classification (germline): Uncertain significance. Review status: criteria provided, single submitter (1 of 4 stars). 2 submissions from 2 submitters: Uncertain significance (1). 1 of the submissions does not count toward it. Last evaluated 2022-12-30.

Conditions:
Autosomal dominant vitreoretinochoroidopathy. Also called: VITREORETINOCHOROIDOPATHY, AUTOSOMAL DOMINANT, WITH NANOPHTHALMOS; VITREORETINOCHOROIDOPATHY WITH MICROCORNEA, GLAUCOMA, AND CATARACT; Autosomal Dominant Vitreoretinochoroidopathy (ADVIRC). Identifiers: Orphanet 263347, Orphanet 3086, MedGen C3888099, MONDO:0008662, OMIM 193220.

Submissions (2):

Labcorp Genetics (formerly Invitae), Labcorp
Classification: Uncertain significance. Last evaluated: 2022-12-30. Review status: criteria provided, single submitter. Criteria: Invitae Variant Classification Sherloc (09022015). Collection method: clinical testing. Allele origin: germline.
Comment: This variant is not present in population databases (gnomAD no frequency). This sequence change replaces tyrosine, which is neutral and polar, with cysteine, which is neutral and slightly polar, at codon 236 of the BEST1 protein (p.Tyr236Cys). RNA analysis indicates that this missense change induces altered splicing and likely results in a shortened protein product. This missense change has been observed in individuals with autosomal dominant BEST1-related conditions (PMID: 15452077; Invitae). Experimental studies have shown that this missense change affects BEST1 function (PMID: 31263784, 34061021). Advanced modeling of protein sequence and biophysical properties (such as structural, functional, and spatial information, amino acid conservation, physicochemical variation, residue mobility, and thermodynamic stability) performed at Invitae indicates that this missense variant is expected to disrupt BEST1 protein function. ClinVar contains an entry for this variant (Variation ID: 2746). In summary, the available evidence is currently insufficient to determine the role of this variant in disease. Therefore, it has been classified as a Variant of Uncertain Significance. Studies have shown that this missense change results in skipping of exon 6, but is expected to preserve the integrity of the reading-frame (PMID: 18611979).

OMIM
Classification: Pathogenic for VITREORETINOCHOROIDOPATHY. Last evaluated: 2009-09-01. Review status: no assertion criteria provided. Collection method: literature only. Allele origin: germline. Not counted in ClinVar's aggregate classification.

Literature cited by the submitters: PubMed 15452077 (cited by Labcorp Genetics (formerly Invitae), Labcorp and OMIM); PubMed 31263784 (cited by Labcorp Genetics (formerly Invitae), Labcorp); PubMed 34061021 (cited by Labcorp Genetics (formerly Invitae), Labcorp); PubMed 18611979 (cited by Labcorp Genetics (formerly Invitae), Labcorp and OMIM).

NM_004183.4(BEST1):c.707A>G (p.Tyr236Cys)

Gene: BEST1 (bestrophin 1; plus strand). Cytogenetic location: 11q12.3.
Variant type: single nucleotide variant.
Coding change: c.707A>G on transcript NM_004183.4 (MANE Select); coding-DNA position 707, A replaced by G.
Protein change: p.Tyr236Cys; replaces tyrosine 236 with cysteine.
Molecular consequence: missense variant. On other transcripts: non-coding transcript variant (1).
Genome position (GRCh38, 1-based): chr11:61,957,457, A>G. VCF-style: chr11-61957457-A-G. GRCh37 (hg19) VCF-style: chr11-61724929-A-G.
Other names: c.707A>G, p.Tyr236Cys (NM_001363592.2); c.-469A>G (NM_001363593.3); c.527A>G, p.Tyr176Cys (NM_001139443.3, NM_001300786.2, NM_001300787.2); c.389A>G, p.Tyr130Cys (NM_001363591.3); short protein forms Y236C, Y176C, Y130C.
Identifiers: ClinVar variation 2746 (VCV000002746.5), dbSNP rs121918291, ClinGen allele CA115731.